The following is an entry in ClinVar:

ClinVar aggregate classification (germline): Uncertain significance. Review status: criteria provided, multiple submitters, no conflicts (2 of 4 stars). 2 submissions from 2 submitters: Uncertain significance (2). Last evaluated 2023-05-23.

Conditions:
Primary ciliary dyskinesia. Also called: Ciliary dyskinesia. Identifiers: Orphanet 244, MedGen C0008780, MONDO:0016575, HP:0012265.

Allele frequency attached by ClinVar (database versions not stated): gnomAD exomes 0.00001; ESP Exome Variant Server 0.00008.
gnomAD v4.1: 36 of 1,611,466 alleles (0.0022%); highest among the groups gnomAD compares: Non-Finnish European, 0.0031%; no homozygotes.

Submissions (2):

Ambry Genetics
Classification: Uncertain significance. Last evaluated: 2023-05-23. Review status: criteria provided, single submitter. Criteria: Ambry Variant Classification Scheme 2023. Collection method: clinical testing. Allele origin: germline.

Labcorp Genetics (formerly Invitae), Labcorp
Classification: Uncertain significance for Primary ciliary dyskinesia. Last evaluated: 2021-06-12. Review status: criteria provided, single submitter. Criteria: Invitae Variant Classification Sherloc (09022015). Collection method: clinical testing. Allele origin: germline.
Comment: This variant is not present in population databases (ExAC no frequency). In summary, the available evidence is currently insufficient to determine the role of this variant in disease. Therefore, it has been classified as a Variant of Uncertain Significance. Algorithms developed to predict the effect of missense changes on protein structure and function are either unavailable or do not agree on the potential impact of this missense change (SIFT: "Deleterious"; PolyPhen-2: "Not Available"; Align-GVGD: "Class C0"). This variant has not been reported in the literature in individuals with DNAH8-related conditions. This sequence change replaces arginine with lysine at codon 4336 of the DNAH8 protein (p.Arg4336Lys). The arginine residue is highly conserved and there is a small physicochemical difference between arginine and lysine.

NM_001206927.2(DNAH8):c.13007G>A (p.Arg4336Lys)

Gene: DNAH8 (dynein axonemal heavy chain 8; plus strand). Cytogenetic location: 6p21.2.
Variant type: single nucleotide variant.
Coding change: c.13007G>A on transcript NM_001206927.2 (MANE Select); coding-DNA position 13007, G replaced by A.
Protein change: p.Arg4336Lys; replaces arginine 4336 with lysine.
Molecular consequence: missense variant.
Genome position (GRCh38, 1-based): chr6:38,984,261, G>A. VCF-style: chr6-38984261-G-A. GRCh37 (hg19) VCF-style: chr6-38952037-G-A.
Other names: c.12356G>A, p.Arg4119Lys (NM_001371.4); c.13007G>A (NM_001206927.1); short protein forms R4119K, R4336K.
Identifiers: ClinVar variation 1514681 (VCV001514681.10), dbSNP rs372473768, ClinGen allele CA137577840.
Genomic context (GRCh38, chr6:38,984,261, plus strand): 5'-TAAAGGGTGTATCATGGAATACGGTTCGGTACATGATCGGAGAAGTACAATATGGAGGCA[G>A]AGTGACAGATGACTTTGACAAACGTCTACTTAATTGCTTTGCCAGAGTAAGTCAATTTAG-3'
Protein context (NP_001193856.1, residues 4326-4346): YMIGEVQYGG[Arg4336Lys]VTDDFDKRLL